The following is an entry in ClinVar:

ClinVar aggregate classification (germline): Uncertain significance (1 of 4 stars; one submission).

Conditions:
Cardiovascular phenotype. Identifiers: MedGen CN230736.
Hereditary cancer-predisposing syndrome. Also called: Tumor predisposition; Neoplastic Syndromes, Hereditary; Hereditary Cancer Syndrome; Hereditary neoplastic syndrome. Identifiers: Orphanet 140162, MedGen C0027672, MeSH D009386, MONDO:0015356.

Submission:

Ambry Genetics
Classification: Uncertain significance for Cardiovascular phenotype; Hereditary cancer-predisposing syndrome. Last evaluated: 2025-01-23. Review status: criteria provided, single submitter. Criteria: Ambry Variant Classification Scheme 2023. Collection method: clinical testing. Allele origin: germline.
Comment: The p.G1912E variant (also known as c.5735G>A), located in coding exon 38 of the NF1 gene, results from a G to A substitution at nucleotide position 5735. The glycine at codon 1912 is replaced by glutamic acid, an amino acid with similar properties. This amino acid position is conserved. In addition, this alteration is predicted to be deleterious by in silico analysis. Based on the available evidence, the clinical significance of this variant remains unclear.

NM_001042492.3(NF1):c.5798G>A (p.Gly1933Glu)

Gene: NF1 (neurofibromin 1; plus strand). Cytogenetic location: 17q11.2.
Variant type: single nucleotide variant.
Coding change: c.5798G>A on transcript NM_001042492.3 (MANE Select); coding-DNA position 5798, G replaced by A.
Protein change: p.Gly1933Glu; replaces glycine 1933 with glutamic acid.
Molecular consequence: missense variant.
Genome position (GRCh38, 1-based): chr17:31,330,484, G>A. VCF-style: chr17-31330484-G-A. GRCh37 (hg19) VCF-style: chr17-29657502-G-A.
Other names: c.5735G>A, p.Gly1912Glu (NM_000267.4); short protein forms G1912E, G1933E.
Identifiers: ClinVar variation 3879078 (VCV003879078.1).
Genomic context (GRCh38, chr17:31,330,484, plus strand): 5'-AGACACTGGCAGCCAATGAGCCACACCTCACGTTAGAATTTTTGGAAGAGTGTATTTCTG[G>A]ATTTAGCAAATCTAGTAAGTAATGATAATTTTCTTTAATACTAACAATTATTCTAAGAGA-3'
Protein context (NP_001035957.1, residues 1923-1943): TLEFLEECIS[Gly1933Glu]FSKSSIELKH